The following is an entry in ClinVar:

ClinVar aggregate classification (germline): Likely benign (0 of 4 stars; one submission).

Conditions:
DROSHA-related disorder. Also called: DROSHA-related condition.

Allele frequency attached by ClinVar (database versions not stated): ESP Exome Variant Server 0.00024; gnomAD exomes 0.00002; ExAC 0.00005; gnomAD 0.00008; TOPMed 0.00009.
gnomAD v4.1: 41 of 1,613,764 alleles (0.0025%); highest among the groups gnomAD compares: African/African-American, 0.039%; no homozygotes.

Submission:

PreventionGenetics, part of Exact Sciences
Classification: Likely benign for DROSHA-related condition. Last evaluated: 2023-09-14. Review status: no assertion criteria provided. Collection method: clinical testing. Allele origin: germline.
Comment: This variant is classified as likely benign based on ACMG/AMP sequence variant interpretation guidelines (Richards et al. 2015 PMID: 25741868, with internal and published modifications).

NM_001382508.1(DROSHA):c.3633G>A (p.Ala1211=)

Gene: DROSHA (drosha ribonuclease III; minus strand). Cytogenetic location: 5p13.3.
Variant type: single nucleotide variant.
Coding change: c.3633G>A on transcript NM_001382508.1 (MANE Select); coding-DNA position 3633, G replaced by A.
Protein change: p.Ala1211=; no amino-acid change (alanine 1211 retained).
Molecular consequence: synonymous variant.
Genome position (GRCh38, 1-based): chr5:31,410,780, C>T on the plus strand (G>A on the coding strand, the complement: DROSHA is on the minus strand). VCF-style: chr5-31410780-C-T. GRCh37 (hg19) VCF-style: chr5-31410887-C-T.
Other names: c.3522G>A, p.Ala1174= (NM_001100412.2); c.3633G>A, p.Ala1211= (NM_013235.5).
Identifiers: ClinVar variation 3058294 (VCV003058294.2), dbSNP rs375243687, ClinGen allele CA3217164.